The following is an entry in ClinVar:

NM_006389.5(HYOU1):c.2983A>G (p.Lys995Glu)

Gene: HYOU1 (hypoxia up-regulated 1; minus strand). Cytogenetic location: 11q23.3.
Variant type: single nucleotide variant.
Coding change: c.2983A>G on transcript NM_006389.5 (MANE Select); coding-DNA position 2983, A replaced by G.
Protein change: p.Lys995Glu; replaces lysine 995 with glutamic acid.
Molecular consequence: missense variant.
Genome position (GRCh38, 1-based): chr11:119,045,610, T>C on the plus strand (A>G on the coding strand, the complement: HYOU1 is on the minus strand). VCF-style: chr11-119045610-T-C.
Other names: c.2983A>G, p.Lys995Glu (NM_001130991.3); c.2986A>G, p.Lys996Glu (NM_001411041.1); short protein forms K995E, K996E.
Identifiers: ClinVar variation 4806419 (VCV004806419.1).

ClinVar aggregate classification (germline): Uncertain significance (1 of 4 stars; one submission).

Submission:

Labcorp Genetics (formerly Invitae), Labcorp
Classification: Uncertain significance. Last evaluated: 2025-02-03. Review status: criteria provided, single submitter. Criteria: Invitae Variant Classification Sherloc (09022015). Collection method: clinical testing. Allele origin: germline.
Comment: This sequence change replaces lysine, which is basic and polar, with glutamic acid, which is acidic and polar, at codon 995 of the HYOU1 protein (p.Lys995Glu). This variant is not present in population databases (gnomAD no frequency). This variant has not been reported in the literature in individuals affected with HYOU1-related conditions. An algorithm developed to predict the effect of missense changes on protein structure and function (PolyPhen-2) suggests that this variant is likely to be tolerated. In summary, the available evidence is currently insufficient to determine the role of this variant in disease. Therefore, it has been classified as a Variant of Uncertain Significance.